The following is an entry in ClinVar:

ClinVar aggregate classification (germline): Conflicting classifications of pathogenicity. Review status: criteria provided, conflicting classifications (1 of 4 stars). 4 submissions from 4 submitters: Uncertain significance (1); Likely benign (2). 1 of the submissions does not count toward it. Last evaluated 2025-09-08.

Conditions:
CC2D2A-related disorder. Also called: CC2D2A-related condition; CC2D2A-related disorders. Identifiers: MedGen CN239313.
Meckel-Gruber syndrome. Also called: Dysencephalia splachnocystica; DYSENCEPHALIA SPLANCHNOCYSTICA; GRUBER SYNDROME. Identifiers: Orphanet 564, MedGen C0265215, MONDO:0018921.
Joubert syndrome. Also called: JOUBERT-BOLTSHAUSER SYNDROME; Familial aplasia of the vermis. Identifiers: Orphanet 475, MedGen C5979921, MONDO:0018772.

Allele frequency attached by ClinVar (database versions not stated): gnomAD 0.00002; gnomAD exomes 0.00002 and 0.00003; TOPMed 0.00005; ExAC 0.00007; ESP Exome Variant Server 0.00016.
gnomAD v4.1: 34 of 1,606,978 alleles (0.0021%); highest among the groups gnomAD compares: Middle Eastern, 0.016%; 1 homozygote.

Submissions (4):

Labcorp Genetics (formerly Invitae), Labcorp
Classification: Likely benign for Joubert syndrome; Meckel-Gruber syndrome. Last evaluated: 2025-09-08. Review status: criteria provided, single submitter. Criteria: Invitae Variant Classification Sherloc (09022015). Collection method: clinical testing. Allele origin: germline.

Blueprint Genetics
Classification: Likely benign. Last evaluated: 2024-04-08. Review status: criteria provided, single submitter. Criteria: ACMG Guidelines, 2015. Collection method: clinical testing. Allele origin: germline.

Eurofins Ntd Llc (ga)
Classification: Uncertain significance. Last evaluated: 2016-10-17. Review status: criteria provided, single submitter. Criteria: EGL Classification Definitions 2015. Collection method: clinical testing. Allele origin: germline. Observed: 1 variant allele, 1 heterozygote.

PreventionGenetics, part of Exact Sciences
Classification: Likely benign for CC2D2A-related condition. Last evaluated: 2019-09-04. Review status: no assertion criteria provided. Collection method: clinical testing. Allele origin: germline. Not counted in ClinVar's aggregate classification.
Comment: This variant is classified as likely benign based on ACMG/AMP sequence variant interpretation guidelines (Richards et al. 2015 PMID: 25741868, with internal and published modifications).

NM_001378615.1(CC2D2A):c.3054G>A (p.Lys1018=)

Genes: CC2D2A (coiled-coil and C2 domain containing 2A; plus strand), FBXL5 (F-box and leucine rich repeat protein 5; minus strand). Cytogenetic location: 4p15.32.
Variant type: single nucleotide variant.
Coding change: c.3054G>A on transcript NM_001378615.1 (MANE Select); coding-DNA position 3054, G replaced by A.
Protein change: p.Lys1018=; no amino-acid change (lysine 1018 retained).
Molecular consequence: synonymous variant.
Genome position (GRCh38, 1-based): chr4:15,563,394, G>A. VCF-style: chr4-15563394-G-A. GRCh37 (hg19) VCF-style: chr4-15565017-G-A.
Other names: c.3054G>A, p.Lys1018= (NM_001080522.2); c.2907G>A, p.Lys969= (NM_001378617.1).
Identifiers: ClinVar variation 498017 (VCV000498017.13), dbSNP rs377575861, ClinGen allele CA2864068.
Genomic context (GRCh38, chr4:15,563,394, plus strand): 5'-ATCCTGTTCTGTAATCATTAGCATTTTGGGCCTAAGCCTTTTCAAGCTGGCAGAACAAAA[G>A]CGACCACTGCGGCCAAGGAGAAAAGGTCGGAAGAAGGTGACAGCCCAAAACCTGTCTGAT-3'
Protein context (NP_001365544.1, residues 1008-1028): GLSLFKLAEQ[Lys1018=]RPLRPRRKGR